The following is an entry in ClinVar:

NM_000245.4(MET):c.294T>C (p.Cys98=)

Gene: MET (MET proto-oncogene, receptor tyrosine kinase; plus strand). Cytogenetic location: 7q31.2.
Variant type: single nucleotide variant.
Coding change: c.294T>C on transcript NM_000245.4 (MANE Select); coding-DNA position 294, T replaced by C.
Protein change: p.Cys98=; no amino-acid change (cysteine 98 retained).
Molecular consequence: synonymous variant. On other transcripts: intron variant (1).
Genome position (GRCh38, 1-based): chr7:116,699,378, T>C. VCF-style: chr7-116699378-T-C. GRCh37 (hg19) VCF-style: chr7-116339432-T-C.
Other names: c.294T>C, p.Cys98= (NM_001127500.3, NM_001324401.3); c.-91+26801T>C (NM_001324402.2).
Identifiers: ClinVar variation 1581282 (VCV001581282.11), dbSNP rs2116585117, ClinGen allele CA457447621.

ClinVar aggregate classification (germline): Benign/Likely benign. Review status: criteria provided, multiple submitters, no conflicts (2 of 4 stars). 3 submissions from 3 submitters: Benign (1); Likely benign (2). Last evaluated 2025-08-25.

Conditions:
Renal cell carcinoma. Identifiers: Orphanet 217071, MedGen C0007134, MeSH D002292, MONDO:0005086, HP:0005584.
Hereditary cancer-predisposing syndrome. Also called: Tumor predisposition; Neoplastic Syndromes, Hereditary; Hereditary Cancer Syndrome; Hereditary neoplastic syndrome. Identifiers: Orphanet 140162, MedGen C0027672, MeSH D009386, MONDO:0015356.
Papillary renal cell carcinoma type 1 (RCCP1). Also called: Renal adenocarcinoma; Renal cell carcinoma 1; Renal cell carcinoma, somatic; RENAL CELL CARCINOMA, PAPILLARY, 1, SOMATIC. Identifiers: Orphanet 47044, MedGen C1336839, OMIM 605074, HP:0011797.

Allele frequency attached by ClinVar (database versions not stated): gnomAD exomes below 0.00001.
gnomAD v4.1: 3 of 1,614,046 alleles (0.00019%); highest among the groups gnomAD compares: Non-Finnish European, 0.000085%; no homozygotes.

Submissions (3):

Labcorp Genetics (formerly Invitae), Labcorp
Classification: Likely benign for Renal cell carcinoma. Last evaluated: 2025-08-25. Review status: criteria provided, single submitter. Criteria: Invitae Variant Classification Sherloc (09022015). Collection method: clinical testing. Allele origin: germline.

Myriad Genetics, Inc.
Classification: Benign for Papillary renal cell carcinoma type 1. Last evaluated: 2024-11-06. Review status: criteria provided, single submitter. Criteria: Myriad Autosomal Dominant, Autosomal Recessive and X-Linked Classification Criteria (2023). Collection method: clinical testing. Allele origin: unknown.
Comment: This variant is considered benign. This variant is a silent/synonymous amino acid change and it is not expected to impact splicing.

Ambry Genetics
Classification: Likely benign for Hereditary cancer-predisposing syndrome. Last evaluated: 2021-10-11. Review status: criteria provided, single submitter. Criteria: Ambry Variant Classification Scheme 2023. Collection method: clinical testing. Allele origin: germline.